The following continues an entry in ClinVar:

NM_001613.4(ACTA2):c.536G>A (p.Arg179His)

Gene: ACTA2. ClinVar aggregate classification (germline): Pathogenic. Pathogenic (15).

Submissions 12 to 20 of 20:

Baylor Genetics
Classification: Pathogenic for Multisystemic smooth muscle dysfunction syndrome. Last evaluated: 2017-09-01. Review status: criteria provided, single submitter. Criteria: ACMG Guidelines, 2015. Collection method: clinical testing. Allele origin: de novo. Inheritance: Autosomal dominant inheritance. Affected: yes.
Comment: This mutation has been described in the literature as disease-causing and has been identified twice in our laboratory as a de novo mutation.

Laboratory for Molecular Medicine, Mass General Brigham Personalized Medicine
Classification: Pathogenic for Familial thoracic aortic aneurysm and aortic dissection. Last evaluated: 2011-09-28. Review status: criteria provided, single submitter. Criteria: LMM Criteria. Collection method: clinical testing. Allele origin: germline. Observed: 1 variant allele.
Comment: The Arg179His variant in ACTA2 gene has been reported in the literature in six i ndividuals with multisystemic smooth muscle dysfunction. Five of these individua ls were found to have a novel syndrome characterized by aortic and cerebrovascul ar disease, fixed dilated pupils, hypotonic bladder, malrotation and hypoperista lsis of the gut, and pulmonary hypertension (Milewicz 2010). The remaining indiv idual was found amongst a cerebrovascular cohort of patients with a diagnosis of Moyamoya Disease (Roder 2011). This particular variant was absent from at least 136 control chromosomes tested (Roder 2011). Heterozygous missense variants in ACTA2 are associated with a variety of cerebrovascular abnormalities including a neurysms and dissections of the thoracic aorta, early onset coronary artery dise ase and strokes, and show extensive familial segregation (Guo 2009). However, in five of six probands the variant was demonstrated to occur de novo (Milewicz 20 10) and in the remaining proband there was no family history of a vascular disor der (Roder 2011). In summary, this variant is highly likely to be pathogenic.

CENTOGENE GmbH and LLC - Guiding Precision Medicine
Classification: Pathogenic for Moyamoya disease 5. Review status: criteria provided, single submitter. Criteria: ACMG Guidelines, 2015. Collection method: clinical testing. Allele origin: germline. Affected: yes.

Juno Genomics, Hangzhou Juno Genomics, Inc
Classification: Pathogenic for Multisystemic smooth muscle dysfunction syndrome; Aortic aneurysm, familial thoracic 6. Review status: criteria provided, single submitter. Criteria: ACMG Guidelines, 2015. Collection method: clinical testing. Allele origin: germline. Affected: yes.
Comment: Absent from controls (or at extremely low frequency if recessive) in Genome Aggregation Database, Exome Sequencing Project, 1000 Genomes Project, or Exome Aggregation Consortium.;Multiple lines of computational evidence support a deleterious effect on the gene or gene product (conservation, evolutionary, splicing impact, etc).;Missense variant in a gene that has a low rate of benign missense variation and where missense variants are a common mechanism of disease.;Assumed de novo, but without confirmation of paternity and maternity.;The prevalence of the variant in affected individuals is significantly increased compared to the prevalence in controls.;Patient's phenotype or family history is highly specific for a disease with a single genetic etiology.

Centre for Mendelian Genomics, University Medical Centre Ljubljana
Classification: Pathogenic for Connective tissue disorder; alterations of great arteries and veins. Last evaluated: 2016-06-09. Review status: no assertion criteria provided. Collection method: clinical testing. Allele origin: unknown. Affected: yes. Not counted in ClinVar's aggregate classification.

OMIM
Classification: Pathogenic for SMOOTH MUSCLE DYSFUNCTION SYNDROME. Last evaluated: 2011-03-01. Review status: no assertion criteria provided. Collection method: literature only. Allele origin: germline. Not counted in ClinVar's aggregate classification.

OMIM
Classification: Pathogenic for MOYAMOYA DISEASE 5. Last evaluated: 2011-03-01. Review status: no assertion criteria provided. Collection method: literature only. Allele origin: germline. Not counted in ClinVar's aggregate classification.

Clinical Genetics DNA and cytogenetics Diagnostics Lab, Erasmus MC, Erasmus Medical Center
Classification: Pathogenic. Review status: no assertion criteria provided. Collection method: clinical testing. Allele origin: germline. Affected: yes. Study: VKGL Data-share Consensus. Not counted in ClinVar's aggregate classification.

Genome Diagnostics Laboratory, Amsterdam University Medical Center
Classification: Pathogenic. Review status: no assertion criteria provided. Collection method: clinical testing. Allele origin: germline. Affected: yes. Study: VKGL Data-share Consensus. Not counted in ClinVar's aggregate classification.

Literature cited by the submitters: PubMed 20734336 (cited by 5 submitters); PubMed 22302747 (cited by 3 submitters); PubMed 22752479 (cited by 3 submitters); PubMed 22946110 (cited by Labcorp Genetics (formerly Invitae), Labcorp and Baylor Genetics); PubMed 24293535 (cited by Labcorp Genetics (formerly Invitae), Labcorp); PubMed 24621862 (cited by Labcorp Genetics (formerly Invitae), Labcorp and Ambry Genetics); PubMed 24998021 (cited by Labcorp Genetics (formerly Invitae), Labcorp and OMIM); PubMed 25944730 (cited by Labcorp Genetics (formerly Invitae), Labcorp); PubMed 26034244 (cited by Labcorp Genetics (formerly Invitae), Labcorp and OMIM); PubMed 15138499 (cited by Ambry Genetics); PubMed 27551047 (cited by Ambry Genetics and Victorian Clinical Genetics Services, Murdoch Childrens Research Institute); PubMed 29875232 (cited by Ambry Genetics); PubMed 35248443 (cited by Ambry Genetics); PubMed 36607831 (cited by Ambry Genetics); PubMed 28652363 (cited by Victorian Clinical Genetics Services, Murdoch Childrens Research Institute); PubMed 29300374 (cited by Victorian Clinical Genetics Services, Murdoch Childrens Research Institute and OMIM); PubMed 31911919 (cited by Victorian Clinical Genetics Services, Murdoch Childrens Research Institute); PubMed 22831780 (cited by Baylor Genetics); PubMed 20970362 (cited by 3 submitters); PubMed 25326635 (cited by Baylor Genetics); PubMed 19409525 (cited by Laboratory for Molecular Medicine, Mass General Brigham Personalized Medicine); PubMed 10532176 (cited by OMIM); PubMed 14730227 (cited by OMIM); PubMed 15472996 (cited by OMIM).